The following is an entry in ClinVar:

ClinVar aggregate classification (germline): Pathogenic (1 of 4 stars; one submission).

Conditions:
Mowat-Wilson syndrome (MOWS). Also called: Classic Mowat-Wilson Syndrome. Identifiers: Orphanet 2152, MedGen C1856113, MONDO:0009341, OMIM 235730.

Submission:

Juno Genomics, Hangzhou Juno Genomics, Inc
Classification: Pathogenic for Mowat-Wilson syndrome. Review status: criteria provided, single submitter. Criteria: ACMG Guidelines, 2015. Collection method: clinical testing. Allele origin: germline. Affected: yes.
Comment: Absent from controls (or at extremely low frequency if recessive) in Genome Aggregation Database.;De novo (both maternity and paternity confirmed) in a patient with the disease and no family history.;Null variant in a gene where loss of function (LOF) is a known mechanism of disease.

NM_014795.4(ZEB2):c.816_817del (p.Met272fs)

Gene: ZEB2 (zinc finger E-box binding homeobox 2; minus strand). Cytogenetic location: 2q22.3.
Variant type: Deletion.
Coding change: c.816_817del on transcript NM_014795.4 (MANE Select); coding-DNA positions 816 to 817, 2 bases deleted (GC; older notation c.816_817delGC).
Protein change: p.Met272fs; shifts the reading frame from methionine 272.
Molecular consequence: frameshift variant.
Genome position (GRCh38, 1-based): chr2:144,401,298-144,401,299, GC deleted on the plus strand (GC on the coding strand, the reverse complement: ZEB2 is on the minus strand). VCF-style (leftmost placement, unchanged base first): chr2-144401297-AGC-A. GRCh37 (hg19) VCF-style: chr2-145158864-AGC-A.
Other names: c.744_745del, p.Met248fs (NM_001171653.2); short protein forms M248fs, M272fs.
Identifiers: ClinVar variation 5019142 (VCV005019142.1).